The following is an entry in ClinVar:

NM_001036.6(RYR3):c.4129C>T (p.Arg1377Trp)

Gene: RYR3 (ryanodine receptor 3; plus strand). Cytogenetic location: 15q14.
Variant type: single nucleotide variant.
Coding change: c.4129C>T on transcript NM_001036.6 (MANE Select); coding-DNA position 4129, C replaced by T.
Protein change: p.Arg1377Trp; replaces arginine 1377 with tryptophan.
Molecular consequence: missense variant.
Genome position (GRCh38, 1-based): chr15:33,649,222, C>T. VCF-style: chr15-33649222-C-T. GRCh37 (hg19) VCF-style: chr15-33941423-C-T.
Other names: c.4129C>T, p.Arg1377Trp (NM_001243996.4); short protein forms R1377W.
Identifiers: ClinVar variation 531049 (VCV000531049.8), dbSNP rs377266014, ClinGen allele CA268590927.

ClinVar aggregate classification (germline): Uncertain significance (1 of 4 stars; one submission).

Conditions:
Epileptic encephalopathy. Identifiers: MedGen C0543888, HP:0200134.

Allele frequency attached by ClinVar (database versions not stated): gnomAD 0.00001; gnomAD exomes 0.00001; TOPMed 0.00002; ESP Exome Variant Server 0.00008.
gnomAD v4.1: 15 of 1,612,344 alleles (0.00093%); highest among the groups gnomAD compares: East Asian, 0.0045%; no homozygotes.

Submission:

Labcorp Genetics (formerly Invitae), Labcorp
Classification: Uncertain significance for Epileptic encephalopathy. Last evaluated: 2025-02-24. Review status: criteria provided, single submitter. Criteria: Invitae Variant Classification Sherloc (09022015). Collection method: clinical testing. Allele origin: germline.
Comment: This sequence change replaces arginine, which is basic and polar, with tryptophan, which is neutral and slightly polar, at codon 1377 of the RYR3 protein (p.Arg1377Trp). This variant is present in population databases (rs377266014, gnomAD 0.005%). This variant has not been reported in the literature in individuals affected with RYR3-related conditions. ClinVar contains an entry for this variant (Variation ID: 531049). Invitae Evidence Modeling of protein sequence and biophysical properties (such as structural, functional, and spatial information, amino acid conservation, physicochemical variation, residue mobility, and thermodynamic stability) has been performed for this missense variant. However, the output from this modeling did not meet the statistical confidence thresholds required to predict the impact of this variant on RYR3 protein function. In summary, the available evidence is currently insufficient to determine the role of this variant in disease. Therefore, it has been classified as a Variant of Uncertain Significance.